The following is an entry in ClinVar:

ClinVar aggregate classification (germline): Conflicting classifications of pathogenicity. Review status: criteria provided, conflicting classifications (1 of 4 stars). 3 submissions from 3 submitters: Likely pathogenic (2); Uncertain significance (1). Last evaluated 2025-05-28.

Conditions:
Hereditary cancer-predisposing syndrome. Also called: Tumor predisposition; Neoplastic Syndromes, Hereditary; Hereditary Cancer Syndrome; Hereditary neoplastic syndrome. Identifiers: Orphanet 140162, MedGen C0027672, MeSH D009386, MONDO:0015356.

Submissions (3):

Dasa
Classification: Likely pathogenic. Last evaluated: 2025-05-28. Review status: criteria provided, single submitter. Criteria: DASA Assertion Criteria. Collection method: clinical testing. Allele origin: germline.
Comment: NM_000551.4(VHL):c.236G>C (p.Arg79Pro) is a missense variant that results in the substitution of arginine with proline. The affected residue or protein region has prior evidence supporting clinical relevance. This variant has been reported in individuals with VHL-related disorders (PMID: 24555745). Segregation data support an association with disease in the reported family/families (PMID: 24555745). Also, this variant is absent from population databases. Computational evidence supports a deleterious effect. Based on the currently available evidence, this variant is classified as likely pathogenic.

Ambry Genetics
Classification: Likely pathogenic for Hereditary cancer-predisposing syndrome. Last evaluated: 2023-03-30. Review status: criteria provided, single submitter. Criteria: Ambry Variant Classification Scheme 2023. Collection method: clinical testing. Allele origin: germline.
Comment: The p.R79P variant (also known as c.236G>C), located in coding exon 1 of the VHL gene, results from a G to C substitution at nucleotide position 236. The arginine at codon 79 is replaced by proline, an amino acid with dissimilar properties. This alteration has been observed in multiple individuals with a personal and/or family history that is consistent with VHL-related disease, and has been shown to segregate with disease in at least one family (Crossey PA et al. Hum Mol Genet, 1994 Aug;3:1303-8; Prowse AH et al. Am J Hum Genet, 1997 Apr;60:765-71; Wittstr&ouml;m E et al. Ophthalmic Genet, 2014 Jun;35:91-106; Fields FR et al. PLoS One, 2020 Nov;15:e0234100). This variant is considered to be rare based on population cohorts in the Genome Aggregation Database (gnomAD). This amino acid position is well conserved in available vertebrate species. In addition, this alteration is predicted to be deleterious by in silico analysis. Based on the majority of available evidence to date, this variant is likely to be pathogenic.

Blueprint Genetics
Classification: Uncertain significance. Last evaluated: 2018-08-27. Review status: criteria provided, single submitter. Criteria: ACMG Guidelines, 2015. Collection method: clinical testing. Allele origin: germline.

Literature cited by the submitters: PubMed 35475554 (cited by Dasa); PubMed 24555745 (cited by Dasa and Ambry Genetics); PubMed 33151962 (cited by Dasa and Ambry Genetics); PubMed 9681856 (cited by Dasa); PubMed 7987306 (cited by Dasa and Ambry Genetics); PubMed 9106522 (cited by Dasa and Ambry Genetics).

NM_000551.4(VHL):c.236G>C (p.Arg79Pro)

Gene: VHL (von Hippel-Lindau tumor suppressor; plus strand). Cytogenetic location: 3p25.3.
Variant type: single nucleotide variant.
Coding change: c.236G>C on transcript NM_000551.4 (MANE Select); coding-DNA position 236, G replaced by C.
Protein change: p.Arg79Pro; replaces arginine 79 with proline.
Molecular consequence: missense variant. On other transcripts: non-coding transcript variant (1).
Genome position (GRCh38, 1-based): chr3:10,142,083, G>C. VCF-style: chr3-10142083-G-C. GRCh37 (hg19) VCF-style: chr3-10183767-G-C.
Other names: c.236G>C, p.Arg79Pro (NM_001354723.2, NM_198156.3); short protein forms R79P.
Identifiers: ClinVar variation 2566466 (VCV002566466.5), dbSNP rs2125125087, ClinGen allele CA351749311.